The following is an entry in ClinVar:

NM_014956.5(CEP164):c.346_347del (p.Lys116fs)

Gene: CEP164 (centrosomal protein 164; plus strand). Cytogenetic location: 11q23.3.
Variant type: Deletion.
Coding change: c.346_347del on transcript NM_014956.5 (MANE Select); coding-DNA positions 346 to 347, 2 bases deleted (AA; older notation c.346_347delAA).
Protein change: p.Lys116fs; shifts the reading frame from lysine 116.
Molecular consequence: frameshift variant.
Genome position (GRCh38, 1-based): chr11:117,351,941-117,351,942, AA deleted; deleting any 2 consecutive bases within chr11:117,351,932-117,351,942 gives the same sequence; the c. name uses the placement nearest the transcript's 3' end. VCF-style (leftmost placement, unchanged base first): chr11-117351931-GAA-G. GRCh37 (hg19) VCF-style: chr11-117222647-GAA-G.
Other names: c.346_347del, p.Lys116fs (NM_001271933.2, NM_001440949.1, NM_001440950.1 and 36 more transcripts); c.208_209del, p.Lys70fs (NM_001440960.1); short protein forms K116fs, K70fs.
Identifiers: ClinVar variation 4801628 (VCV004801628.1).

ClinVar aggregate classification (germline): Pathogenic (1 of 4 stars; one submission).

Conditions:
Nephronophthisis 15 (NPHP15). Identifiers: Orphanet 3156, MedGen C3541853, MONDO:0013917, OMIM 614845.

Submission:

Labcorp Genetics (formerly Invitae), Labcorp
Classification: Pathogenic for Nephronophthisis 15. Last evaluated: 2025-07-20. Review status: criteria provided, single submitter. Criteria: Invitae Variant Classification Sherloc (09022015). Collection method: clinical testing. Allele origin: germline.
Comment: This sequence change creates a premature translational stop signal (p.Lys116Glyfs*88) in the CEP164 gene. It is expected to result in an absent or disrupted protein product. Loss-of-function variants in CEP164 are known to be pathogenic (PMID: 22863007, 28125082, 32367404, 34132027, 34499853). The frequency data for this variant in the population databases is considered unreliable, as metrics indicate poor data quality at this position in the gnomAD database. This variant has not been reported in the literature in individuals affected with CEP164-related conditions. For these reasons, this variant has been classified as Pathogenic.

Literature cited by the submitters: PubMed 22863007; PubMed 28125082; PubMed 32367404; PubMed 34132027; PubMed 34499853.